The following is an entry in ClinVar:

NM_013432.5(TONSL):c.1413G>A (p.Ala471=)

Gene: TONSL (tonsoku like, DNA repair protein; minus strand). Cytogenetic location: 8q24.3.
Variant type: single nucleotide variant.
Coding change: c.1413G>A on transcript NM_013432.5 (MANE Select); coding-DNA position 1413, G replaced by A.
Protein change: p.Ala471=; no amino-acid change (alanine 471 retained).
Molecular consequence: synonymous variant.
Genome position (GRCh38, 1-based): chr8:144,440,088, C>T on the plus strand (G>A on the coding strand, the complement: TONSL is on the minus strand). VCF-style: chr8-144440088-C-T. GRCh37 (hg19) VCF-style: chr8-145665471-C-T.
Identifiers: ClinVar variation 1550839 (VCV001550839.32), dbSNP rs142414219, ClinGen allele CA4943250.

ClinVar aggregate classification (germline): Benign/Likely benign. Review status: criteria provided, multiple submitters, no conflicts (2 of 4 stars). 3 submissions from 3 submitters: Benign (1); Likely benign (2). Last evaluated 2026-02-02.

Allele frequency attached by ClinVar (database versions not stated): gnomAD exomes 0.00035 and 0.00058; ExAC 0.00071; ESP Exome Variant Server 0.00092; gnomAD 0.00140 and 0.00145; TOPMed 0.00152; 1000 Genomes Project 0.00180; 1000 Genomes Project 30x 0.00219.
gnomAD v4.1: 736 of 1,607,758 alleles (0.046%); highest among the groups gnomAD compares: East Asian, 0.66%; 4 homozygotes.

Submissions (3):

Labcorp Genetics (formerly Invitae), Labcorp
Classification: Benign. Last evaluated: 2026-02-02. Review status: criteria provided, single submitter. Criteria: Invitae Variant Classification Sherloc (09022015). Collection method: clinical testing. Allele origin: germline.

Blueprint Genetics
Classification: Likely benign. Last evaluated: 2024-10-14. Review status: criteria provided, single submitter. Criteria: ACMG Guidelines, 2015. Collection method: clinical testing. Allele origin: germline.

CeGaT Center for Human Genetics Tuebingen
Classification: Likely benign. Last evaluated: 2023-10-01. Review status: criteria provided, single submitter. Criteria: CeGaT Center For Human Genetics Tuebingen Variant Classification Criteria Version 2. Collection method: clinical testing. Allele origin: germline. Affected: yes. Observed: 1 variant allele.
Comment: TONSL: BP4, BP7